The following is an entry in ClinVar:

NM_002185.5(IL7R):c.1252C>G (p.Pro418Ala)

Gene: IL7R (interleukin 7 receptor; plus strand). Cytogenetic location: 5p13.2.
Variant type: single nucleotide variant.
Coding change: c.1252C>G on transcript NM_002185.5 (MANE Select); coding-DNA position 1252, C replaced by G.
Protein change: p.Pro418Ala; replaces proline 418 with alanine.
Molecular consequence: missense variant. On other transcripts: non-coding transcript variant (1).
Genome position (GRCh38, 1-based): chr5:35,876,358, C>G. VCF-style: chr5-35876358-C-G. GRCh37 (hg19) VCF-style: chr5-35876460-C-G.
Other names: c.*369C>G (NM_001410734.1); short protein forms P418A.
Identifiers: ClinVar variation 2061224 (VCV002061224.2), dbSNP rs199666194, ClinGen allele CA116976341.

ClinVar aggregate classification (germline): Uncertain significance. Review status: criteria provided, multiple submitters, no conflicts (2 of 4 stars). 2 submissions from 2 submitters: Uncertain significance (2). Last evaluated 2022-12-14.

Conditions:
Immunodeficiency 104. Also called: IMMUNODEFICIENCY 104, SEVERE COMBINED; Severe combined immunodeficiency, autosomal recessive, T cell-negative, B cell-positive, NK cell-positive; SCID, AUTOSOMAL RECESSIVE, T CELL-NEGATIVE, B CELL-POSITIVE, NK CELL-POSITIVE; Severe Combined Immune Deficiency, Autosomal Recessive, TCell -Negative, B Cell-Positive, NK Cell-Positive, IL7R-Related. Identifiers: MedGen C5676890, MONDO:0012163, OMIM 608971.
Inborn genetic diseases. Identifiers: MedGen C0950123, MeSH D030342.

Allele frequency attached by ClinVar (database versions not stated): gnomAD 0.00001; gnomAD exomes 0.00002; TOPMed 0.00002.
gnomAD v4.1: 31 of 1,613,266 alleles (0.0019%); highest among the groups gnomAD compares: Non-Finnish European, 0.0025%; no homozygotes.

Submissions (2):

Ambry Genetics
Classification: Uncertain significance for Inborn genetic diseases. Last evaluated: 2022-12-14. Review status: criteria provided, single submitter. Criteria: Ambry Variant Classification Scheme 2023. Collection method: clinical testing. Allele origin: germline.

Labcorp Genetics (formerly Invitae), Labcorp
Classification: Uncertain significance for Immunodeficiency 104. Last evaluated: 2022-06-13. Review status: criteria provided, single submitter. Criteria: Invitae Variant Classification Sherloc (09022015). Collection method: clinical testing. Allele origin: germline.
Comment: This sequence change replaces proline, which is neutral and non-polar, with alanine, which is neutral and non-polar, at codon 418 of the IL7R protein (p.Pro418Ala). This variant is not present in population databases (gnomAD no frequency). This variant has not been reported in the literature in individuals affected with IL7R-related conditions. Advanced modeling of protein sequence and biophysical properties (such as structural, functional, and spatial information, amino acid conservation, physicochemical variation, residue mobility, and thermodynamic stability) performed at Invitae indicates that this missense variant is not expected to disrupt IL7R protein function. In summary, the available evidence is currently insufficient to determine the role of this variant in disease. Therefore, it has been classified as a Variant of Uncertain Significance.